The following is an entry in ClinVar:

ClinVar aggregate classification (germline): Pathogenic/Likely pathogenic. Review status: criteria provided, multiple submitters, no conflicts (2 of 4 stars). 3 submissions from 3 submitters: Pathogenic (2); Likely pathogenic (1). Last evaluated 2024-10-09.

Conditions:
Blepharophimosis - intellectual disability syndrome, SBBYS type (SBBYSS). Also called: Ohdo syndrome, SBBYS variant; SBBYSS syndrome; Say-Barber-Biesecker-Young-Simpson syndrome; Young Simpson syndrome; Mental retardation unusual facies hypothyroidism; Say-Barber-Biesecker-Young-Simpson variant of Ohdo Syndrome. Identifiers: Orphanet 3047, MedGen C1863557, MONDO:0011365, OMIM 603736.
KAT6B-related disorder. Also called: KAT6B-related disorders; KAT6B-related condition.

Allele frequency attached by ClinVar (database versions not stated): gnomAD exomes below 0.00001.
gnomAD v4.1: 1 of 1,613,674 alleles (0.000062%); highest among the groups gnomAD compares: Non-Finnish European, 0.000085%; no homozygotes.

Submissions (3):

GeneDx
Classification: Pathogenic. Last evaluated: 2024-10-09. Review status: criteria provided, single submitter. Criteria: GeneDx Variant Classification Process June 2021. Collection method: clinical testing. Allele origin: germline.
Comment: Nonsense variant predicted to result in protein truncation or nonsense mediated decay in a gene for which loss of function is a known mechanism of disease; Not observed at significant frequency in large population cohorts (gnomAD); This variant is associated with the following publications: (PMID: 33084842, 31785789, 33004838, 33057194, 37010288, 35982159)

Blueprint Genetics
Classification: Likely pathogenic for KAT6B-related disorders. Last evaluated: 2024-05-20. Review status: criteria provided, single submitter. Criteria: ACMG Guidelines, 2015. Collection method: clinical testing. Allele origin: germline. Affected: yes. Observed: 1 variant allele.

Juno Genomics, Hangzhou Juno Genomics, Inc
Classification: Pathogenic for Blepharophimosis - intellectual disability syndrome, SBBYS type. Review status: criteria provided, single submitter. Criteria: ACMG Guidelines, 2015. Collection method: clinical testing. Allele origin: germline. Affected: yes.
Comment: Absent from controls (or at extremely low frequency if recessive) in Genome Aggregation Database, Exome Sequencing Project, 1000 Genomes Project, or Exome Aggregation Consortium.;Null variant in a gene where loss of function (LOF) is a known mechanism of disease.;The prevalence of the variant in affected individuals is significantly increased compared to the prevalence in controls.

NM_012330.4(KAT6B):c.2347C>T (p.Arg783Ter)

Gene: KAT6B (lysine acetyltransferase 6B; plus strand). Cytogenetic location: 10q22.2.
Variant type: single nucleotide variant.
Coding change: c.2347C>T on transcript NM_012330.4 (MANE Select); coding-DNA position 2347, C replaced by T.
Protein change: p.Arg783Ter; replaces arginine 783 with a stop codon.
Molecular consequence: nonsense. On other transcripts: intron variant (2).
Genome position (GRCh38, 1-based): chr10:74,981,902, C>T. VCF-style: chr10-74981902-C-T. GRCh37 (hg19) VCF-style: chr10-76741660-C-T.
Other names: c.1798C>T, p.Arg600Ter (NM_001256468.2, NM_001370138.1); c.1471C>T, p.Arg491Ter (NM_001256469.2, NM_001370132.1, NM_001370139.1 and 3 more transcripts); c.424C>T, p.Arg142Ter (NM_001370134.1); c.2347C>T, p.Arg783Ter (NM_001370136.1, NM_001370137.1); c.1282C>T, p.Arg428Ter (NM_001370143.1, NM_001370144.1); c.847-7117C>T (NM_001370133.1); c.193-7117C>T (NM_001370135.1); short protein forms R142*, R428*, R491*, R600*, R783*.
Identifiers: ClinVar variation 2444621 (VCV002444621.5), dbSNP rs2548990073, ClinGen allele CA377293117.